The following is an entry in ClinVar:

NM_003105.6(SORL1):c.4606G>A (p.Gly1536Ser)

Gene: SORL1 (sortilin related receptor 1; plus strand). Cytogenetic location: 11q24.1.
Variant type: single nucleotide variant.
Coding change: c.4606G>A on transcript NM_003105.6 (MANE Select); coding-DNA position 4606, G replaced by A.
Protein change: p.Gly1536Ser; replaces glycine 1536 with serine.
Molecular consequence: missense variant.
Genome position (GRCh38, 1-based): chr11:121,604,279, G>A. VCF-style: chr11-121604279-G-A. GRCh37 (hg19) VCF-style: chr11-121474988-G-A.
Other names: short protein forms G1536S.
Identifiers: ClinVar variation 731189 (VCV000731189.11), dbSNP rs199717181, ClinGen allele CA6329687.

ClinVar aggregate classification (germline): Benign. Review status: criteria provided, single submitter (1 of 4 stars). 2 submissions from 2 submitters: Benign (1). 1 of the submissions does not count toward it. Last evaluated 2025-12-09.

Conditions:
SORL1-related disorder. Also called: SORL1-related condition.

Allele frequency attached by ClinVar (database versions not stated): gnomAD 0.00010; gnomAD exomes 0.00010 and 0.00019; TOPMed 0.00010; ExAC 0.00016; ESP Exome Variant Server 0.00023.
gnomAD v4.1: 184 of 1,613,968 alleles (0.011%); highest among the groups gnomAD compares: Non-Finnish European, 0.004%; 1 homozygote.

Submissions (2):

Labcorp Genetics (formerly Invitae), Labcorp
Classification: Benign. Last evaluated: 2025-12-09. Review status: criteria provided, single submitter. Criteria: Invitae Variant Classification Sherloc (09022015). Collection method: clinical testing. Allele origin: germline.

PreventionGenetics, part of Exact Sciences
Classification: Likely benign for SORL1-related condition. Last evaluated: 2023-07-19. Review status: no assertion criteria provided. Collection method: clinical testing. Allele origin: germline. Not counted in ClinVar's aggregate classification.
Comment: This variant is classified as likely benign based on ACMG/AMP sequence variant interpretation guidelines (Richards et al. 2015 PMID: 25741868, with internal and published modifications).